The following is an entry in ClinVar:

ClinVar aggregate classification (germline): Conflicting classifications of pathogenicity. Review status: criteria provided, conflicting classifications (1 of 4 stars). 2 submissions from 2 submitters: Likely pathogenic (1); Uncertain significance (1). Last evaluated 2021-03-16.

Conditions:
Inborn genetic diseases. Identifiers: MedGen C0950123, MeSH D030342.

Submissions (2):

Labcorp Genetics (formerly Invitae), Labcorp
Classification: Likely pathogenic. Last evaluated: 2021-03-16. Review status: criteria provided, single submitter. Criteria: Invitae Variant Classification Sherloc (09022015). Collection method: clinical testing. Allele origin: germline.
Comment: In summary, the currently available evidence indicates that the variant is pathogenic, but additional data are needed to prove that conclusively. Therefore, this variant has been classified as Likely Pathogenic. Advanced modeling of protein sequence and biophysical properties (such as structural, functional, and spatial information, amino acid conservation, physicochemical variation, residue mobility, and thermodynamic stability) performed at Invitae indicates that this missense variant is expected to disrupt ALPL protein function. This variant has been observed in individual(s) with clinical features of hypophosphatasia (Invitae). This variant is not present in population databases (ExAC no frequency). This sequence change replaces valine with alanine at codon 447 of the ALPL protein (p.Val447Ala). The valine residue is moderately conserved and there is a small physicochemical difference between valine and alanine.

Ambry Genetics
Classification: Uncertain significance for Inborn genetic diseases. Last evaluated: 2020-11-10. Review status: criteria provided, single submitter. Criteria: Ambry Variant Classification Scheme 2023. Collection method: clinical testing. Allele origin: germline.
Comment: The c.1340T>C (p.V447A) alteration is located in exon 12 (coding exon 11) of the ALPL gene. This alteration results from a T to C substitution at nucleotide position 1340, causing the valine (V) at amino acid position 447 to be replaced by an alanine (A). Based on data from the Genome Aggregation Database (gnomAD), the ALPL c.1340T>C alteration was not observed, with coverage at this position. The p.V447 amino acid is conserved in available vertebrate species. The in silico prediction for the p.V447A alteration is inconclusive. Based on insufficient or conflicting evidence, the clinical significance of this alteration remains unclear.

NM_000478.6(ALPL):c.1340T>C (p.Val447Ala)

Gene: ALPL (alkaline phosphatase, biomineralization associated; plus strand). Cytogenetic location: 1p36.12.
Variant type: single nucleotide variant.
Coding change: c.1340T>C on transcript NM_000478.6 (MANE Select); coding-DNA position 1340, T replaced by C.
Protein change: p.Val447Ala; replaces valine 447 with alanine.
Molecular consequence: missense variant.
Genome position (GRCh38, 1-based): chr1:21,577,413, T>C. VCF-style: chr1-21577413-T-C. GRCh37 (hg19) VCF-style: chr1-21903906-T-C.
Other names: c.1175T>C, p.Val392Ala (NM_001127501.4); c.1109T>C, p.Val370Ala (NM_001177520.3); c.1340T>C, p.Val447Ala (NM_001369803.2, NM_001369804.2, NM_001369805.2); c.1340T>C (NM_000478.4); short protein forms V370A, V447A, V392A.
Identifiers: ClinVar variation 1476990 (VCV001476990.9), dbSNP rs1570309482, ClinGen allele CA338881997.